The following is an entry in ClinVar:

NM_004371.4(COPA):c.519_521del (p.Pro174del)

Gene: COPA (coat protein complex I subunit alpha; minus strand). Cytogenetic location: 1q23.2.
Variant type: Deletion.
Coding change: c.519_521del on transcript NM_004371.4 (MANE Select); coding-DNA positions 519 to 521, 3 bases deleted (CCC; older notation c.519_521delCCC).
Protein change: p.Pro174del; deletes proline 174.
Molecular consequence: inframe deletion.
Genome position (GRCh38, 1-based): chr1:160,325,628-160,325,630, GGG deleted on the plus strand (CCC on the coding strand, the reverse complement: COPA is on the minus strand); deleting any 3 consecutive bases within chr1:160,325,628-160,325,631 gives the same sequence; the c. name uses the placement nearest the transcript's 3' end. VCF-style (leftmost placement, unchanged base first): chr1-160325627-AGGG-A. GRCh37 (hg19) VCF-style: chr1-160295417-AGGG-A.
Other names: c.519_521del, p.Pro174del (NM_001098398.2); short protein forms P174del.
Identifiers: ClinVar variation 2116522 (VCV002116522.4), dbSNP rs2525439420, ClinGen allele CA2580061256.

ClinVar aggregate classification (germline): Uncertain significance (1 of 4 stars; one submission).

Conditions:
Autoimmune interstitial lung disease-arthritis syndrome. Also called: Autoinflammation and autoimmunity, systemic, with immune dysregulation. Identifiers: Orphanet 444092, MedGen C5975714, MONDO:0014629.

Submission:

Labcorp Genetics (formerly Invitae), Labcorp
Classification: Uncertain significance for Autoimmune interstitial lung disease-arthritis syndrome. Last evaluated: 2022-03-24. Review status: criteria provided, single submitter. Criteria: Invitae Variant Classification Sherloc (09022015). Collection method: clinical testing. Allele origin: germline.
Comment: In summary, the available evidence is currently insufficient to determine the role of this variant in disease. Therefore, it has been classified as a Variant of Uncertain Significance. Experimental studies and prediction algorithms are not available or were not evaluated, and the functional significance of this variant is currently unknown. This variant has not been reported in the literature in individuals affected with COPA-related conditions. This variant is not present in population databases (gnomAD no frequency). This variant, c.519_521del, results in the deletion of 1 amino acid(s) of the COPA protein (p.Pro174del), but otherwise preserves the integrity of the reading frame.